The following is an entry in ClinVar:

NM_017934.7(PHIP):c.1137-3C>G

Gene: PHIP (PHIP subunit of CUL4-Ring ligase complex; minus strand). Cytogenetic location: 6q14.1.
Variant type: single nucleotide variant.
Coding change: c.1137-3C>G on transcript NM_017934.7 (MANE Select); 3 bases into the intron before coding-DNA position 1137, C replaced by G.
Molecular consequence: intron variant.
Genome position (GRCh38, 1-based): chr6:79,016,645, G>C on the plus strand (C>G on the coding strand, the complement: PHIP is on the minus strand). VCF-style: chr6-79016645-G-C. GRCh37 (hg19) VCF-style: chr6-79726362-G-C.
Identifiers: ClinVar variation 4683154 (VCV004683154.1).

ClinVar aggregate classification (germline): Uncertain significance (1 of 4 stars; one submission).

Conditions:
Early onset severe obesity. Identifiers: MedGen C4013980.

Submission:

Cambridge Genomics Laboratory, East Genomic Laboratory Hub, NHS Genomic Medicine Service
Classification: Uncertain significance for Severe early-onset obesity. Last evaluated: 2025-03-06. Review status: criteria provided, single submitter. Criteria: ACGS Best Practice Guidelines for Variant Classification in Rare Disease 2020. Collection method: clinical testing. Allele origin: germline. Affected: yes.
Comment: PM2,PP3